The following is an entry in ClinVar:

ClinVar aggregate classification (germline): Uncertain significance (1 of 4 stars; one submission).

Conditions:
Hereditary cancer-predisposing syndrome. Also called: Hereditary neoplastic syndrome; Neoplastic Syndromes, Hereditary; Tumor predisposition; Hereditary Cancer Syndrome. Identifiers: Orphanet 140162, MedGen C0027672, MeSH D009386, MONDO:0015356.

Submission:

Ambry Genetics
Classification: Uncertain significance for Hereditary cancer-predisposing syndrome. Last evaluated: 2025-02-28. Review status: criteria provided, single submitter. Criteria: Ambry Variant Classification Scheme 2023. Collection method: clinical testing. Allele origin: germline.
Comment: The p.D283G variant (also known as c.848A>G), located in coding exon 6 of the DICER1 gene, results from an A to G substitution at nucleotide position 848. The aspartic acid at codon 283 is replaced by glycine, an amino acid with similar properties. This amino acid position is conserved. In addition, this alteration is predicted to be deleterious by in silico analysis. Based on the available evidence, the clinical significance of this variant remains unclear.

NM_177438.3(DICER1):c.848A>G (p.Asp283Gly)

Gene: DICER1 (dicer 1, ribonuclease III; minus strand). Cytogenetic location: 14q32.13.
Variant type: single nucleotide variant.
Coding change: c.848A>G on transcript NM_177438.3 (MANE Select); coding-DNA position 848, A replaced by G.
Protein change: p.Asp283Gly; replaces aspartic acid 283 with glycine.
Molecular consequence: missense variant. On other transcripts: 5 prime UTR variant (1), non-coding transcript variant (6).
Genome position (GRCh38, 1-based): chr14:95,126,635, T>C on the plus strand (A>G on the coding strand, the complement: DICER1 is on the minus strand). VCF-style: chr14-95126635-T-C. GRCh37 (hg19) VCF-style: chr14-95592972-T-C.
Other names: c.848A>G, p.Asp283Gly (NM_001195573.1, NM_001271282.3, NM_001291628.2 and 14 more transcripts); c.566A>G, p.Asp189Gly (NM_001395686.1); c.443A>G, p.Asp148Gly (NM_001395687.1, NM_001395688.1, NM_001395689.1 and 3 more transcripts); c.281A>G, p.Asp94Gly (NM_001395691.1); c.-721A>G (NM_001395697.1); short protein forms D94G, D148G, D189G, D283G.
Identifiers: ClinVar variation 3840048 (VCV003840048.1).